The following is an entry in ClinVar:

NM_018671.5(UNC45A):c.2546G>C (p.Arg849Pro)

Genes: RCCD1-AS1 (RCCD1 and UNC45A antisense RNA 1; minus strand), UNC45A (unc-45 myosin chaperone A; plus strand). Cytogenetic location: 15q26.1.
Variant type: single nucleotide variant.
Coding change: c.2546G>C on transcript NM_018671.5 (MANE Select); coding-DNA position 2546, G replaced by C.
Protein change: p.Arg849Pro; replaces arginine 849 with proline.
Molecular consequence: missense variant.
Genome position (GRCh38, 1-based): chr15:90,953,279, G>C. VCF-style: chr15-90953279-G-C. GRCh37 (hg19) VCF-style: chr15-91496509-G-C.
Other names: c.2501G>C, p.Arg834Pro (NM_001039675.2, NM_001323621.2); c.2546G>C, p.Arg849Pro (NM_001323619.1); c.2111G>C, p.Arg704Pro (NM_001323620.2); c.2546G>C (NM_018671.3); short protein forms R834P, R849P, R704P.
Identifiers: ClinVar variation 1423407 (VCV001423407.4), dbSNP rs561364913, ClinGen allele CA393862752.
Genomic context (GRCh38, chr15:90,953,279, plus strand): 5'-AGGATGATGAGCTGCTACAGCGGGCAGCTGCCGGGGGCTTGGCCATGCTTACCTCCATGC[G>C]GCCCACGCTCTGCAGCCGCATTCCCCAAGTGGTCAGTGCCTCTTCTCAGTGGGGGAGGAG-3'
Protein context (NP_061141.2, residues 839-859): AGGLAMLTSM[Arg849Pro]PTLCSRIPQV

ClinVar aggregate classification (germline): Uncertain significance. Review status: criteria provided, multiple submitters, no conflicts (2 of 4 stars). 2 submissions from 2 submitters: Uncertain significance (2). Last evaluated 2025-05-14.

Conditions:
Inborn genetic diseases. Identifiers: MedGen C0950123, MeSH D030342.

gnomAD v4.1: 2 of 1,612,424 alleles (0.00012%); highest among the groups gnomAD compares: Non-Finnish European, 0.00017%; no homozygotes.

Submissions (2):

Ambry Genetics
Classification: Uncertain significance for Inborn genetic diseases. Last evaluated: 2025-05-14. Review status: criteria provided, single submitter. Criteria: Ambry Variant Classification Scheme 2023. Collection method: clinical testing. Allele origin: germline.

Labcorp Genetics (formerly Invitae), Labcorp
Classification: Uncertain significance. Last evaluated: 2021-09-17. Review status: criteria provided, single submitter. Criteria: Invitae Variant Classification Sherloc (09022015). Collection method: clinical testing. Allele origin: germline.
Comment: This sequence change replaces arginine with proline at codon 849 of the UNC45A protein (p.Arg849Pro). The arginine residue is weakly conserved and there is a moderate physicochemical difference between arginine and proline. This variant is not present in population databases (ExAC no frequency). This variant has not been reported in the literature in individuals affected with UNC45A-related conditions. Algorithms developed to predict the effect of missense changes on protein structure and function are either unavailable or do not agree on the potential impact of this missense change (SIFT: "Not Available"; PolyPhen-2: "Benign"; Align-GVGD: "Not Available"). In summary, the available evidence is currently insufficient to determine the role of this variant in disease. Therefore, it has been classified as a Variant of Uncertain Significance.